The following is an entry in ClinVar:

NM_170601.5(SIAE):c.1279C>T (p.Gln427Ter)

Gene: SIAE (sialic acid acetylesterase; minus strand). Cytogenetic location: 11q24.2.
Variant type: single nucleotide variant.
Coding change: c.1279C>T on transcript NM_170601.5 (MANE Select); coding-DNA position 1279, C replaced by T.
Protein change: p.Gln427Ter; replaces glutamine 427 with a stop codon.
Molecular consequence: nonsense.
Genome position (GRCh38, 1-based): chr11:124,638,583, G>A on the plus strand (C>T on the coding strand, the complement: SIAE is on the minus strand). VCF-style: chr11-124638583-G-A. GRCh37 (hg19) VCF-style: chr11-124508479-G-A.
Other names: c.1174C>T, p.Gln392Ter (NM_001199922.2); short protein forms Q427*, Q392*.
Identifiers: ClinVar variation 1484821 (VCV001484821.6), dbSNP rs748108384, ClinGen allele CA6341241.

ClinVar aggregate classification (germline): Uncertain significance (1 of 4 stars; one submission).

Allele frequency attached by ClinVar (database versions not stated): gnomAD 0.00001; gnomAD exomes 0.00001 and 0.00002; ExAC 0.00002; TOPMed 0.00003.
gnomAD v4.1: 5 of 1,614,000 alleles (0.00031%); highest among the groups gnomAD compares: Admixed American, 0.005%; no homozygotes.

Submission:

Labcorp Genetics (formerly Invitae), Labcorp
Classification: Uncertain significance. Last evaluated: 2026-01-08. Review status: criteria provided, single submitter. Criteria: Invitae Variant Classification Sherloc (09022015). Collection method: clinical testing. Allele origin: germline.
Comment: This sequence change creates a premature translational stop signal (p.Gln427*) in the SIAE gene. While this is not anticipated to result in nonsense mediated decay, it is expected to disrupt the last 97 amino acid(s) of the SIAE protein. This variant is present in population databases (rs748108384, gnomAD 0.009%). This variant has not been reported in the literature in individuals affected with SIAE-related conditions. ClinVar contains an entry for this variant (Variation ID: 1484821). Experimental studies and prediction algorithms are not available or were not evaluated, and the functional significance of this variant is currently unknown. In summary, the available evidence is currently insufficient to determine the role of this variant in disease. Therefore, it has been classified as a Variant of Uncertain Significance.